The following is an entry in ClinVar:

NM_006031.6(PCNT):c.1185T>C (p.Phe395=)

Gene: PCNT (pericentrin; plus strand). Cytogenetic location: 21q22.3.
Variant type: single nucleotide variant.
Coding change: c.1185T>C on transcript NM_006031.6 (MANE Select); coding-DNA position 1185, T replaced by C.
Protein change: p.Phe395=; no amino-acid change (phenylalanine 395 retained).
Molecular consequence: synonymous variant.
Genome position (GRCh38, 1-based): chr21:46,349,164, T>C. VCF-style: chr21-46349164-T-C. GRCh37 (hg19) VCF-style: chr21-47769078-T-C.
Other names: c.831T>C, p.Phe277= (NM_001315529.2).
Identifiers: ClinVar variation 340469 (VCV000340469.19), dbSNP rs764314231, ClinGen allele CA10078528.

ClinVar aggregate classification (germline): Conflicting classifications of pathogenicity. Review status: criteria provided, conflicting classifications (1 of 4 stars). 5 submissions from 5 submitters: Uncertain significance (1); Likely benign (3). 1 of the submissions does not count toward it. Last evaluated 2025-05-17.

Conditions:
PCNT-related disorder. Also called: PCNT-related condition.
Microcephalic osteodysplastic primordial dwarfism type II (MOPD2). Also called: Microcephalic osteodysplastic primordial dwarfism with tooth abnormalities; MOPD II; OSTEODYSPLASTIC PRIMORDIAL DWARFISM, TYPE II. Identifiers: Orphanet 2637, MedGen C0432246, MONDO:0008872, OMIM 210720.

Allele frequency attached by ClinVar (database versions not stated): gnomAD exomes 0.00005 and 0.00010; ExAC 0.00007; TOPMed 0.00010; gnomAD 0.00011 and 0.00013.
gnomAD v4.1: 94 of 1,614,076 alleles (0.0058%); highest among the groups gnomAD compares: Admixed American, 0.038%; no homozygotes.

Submissions (5):

Labcorp Genetics (formerly Invitae), Labcorp
Classification: Likely benign. Last evaluated: 2025-05-17. Review status: criteria provided, single submitter. Criteria: Invitae Variant Classification Sherloc (09022015). Collection method: clinical testing. Allele origin: germline.

Blueprint Genetics
Classification: Likely benign. Last evaluated: 2024-11-26. Review status: criteria provided, single submitter. Criteria: ACMG Guidelines, 2015. Collection method: clinical testing. Allele origin: germline.

Illumina Laboratory Services, Illumina
Classification: Uncertain significance for Microcephalic osteodysplastic primordial dwarfism type II. Last evaluated: 2018-01-12. Review status: criteria provided, single submitter. Criteria: ICSL Variant Classification Criteria 13 December 2019. Collection method: clinical testing. Allele origin: germline.

Genetic Services Laboratory, University of Chicago
Classification: Likely benign. Last evaluated: 2017-03-28. Review status: criteria provided, single submitter. Criteria: ACMG Guidelines, 2015. Collection method: clinical testing. Allele origin: germline. Affected: no.

PreventionGenetics, part of Exact Sciences
Classification: Likely benign for PCNT-related condition. Last evaluated: 2021-06-26. Review status: no assertion criteria provided. Collection method: clinical testing. Allele origin: germline. Not counted in ClinVar's aggregate classification.
Comment: This variant is classified as likely benign based on ACMG/AMP sequence variant interpretation guidelines (Richards et al. 2015 PMID: 25741868, with internal and published modifications).